The following is an entry in ClinVar:

NM_015474.4(SAMHD1):c.494_495dup (p.Glu166fs)

Gene: SAMHD1 (SAM and HD domain containing deoxynucleoside triphosphate triphosphohydrolase 1; minus strand). Cytogenetic location: 20q11.23.
Variant type: Duplication.
Coding change: c.494_495dup on transcript NM_015474.4 (MANE Select); coding-DNA positions 494 to 495, 2 bases duplicated (TT; older notation c.494_495dupTT).
Protein change: p.Glu166fs; shifts the reading frame from glutamic acid 166.
Molecular consequence: frameshift variant.
Genome position (GRCh38, 1-based): chr20:36,935,043-36,935,044, AA duplicated on the plus strand (TT on the coding strand, the reverse complement: SAMHD1 is on the minus strand); duplicating any 2 consecutive bases within chr20:36,935,043-36,935,045 gives the same sequence; the c. name uses the placement nearest the transcript's 3' end. VCF-style (leftmost placement, unchanged base first): chr20-36935042-C-CAA. GRCh37 (hg19) VCF-style: chr20-35563445-C-CAA.
Other names: c.494_495dup, p.Glu166fs (NM_001363729.2, NM_001363733.2); c.494_495dupTT (NM_015474.3); short protein forms E166fs.
Identifiers: ClinVar variation 639026 (VCV000639026.6), dbSNP rs1601144527, ClinGen allele CA915952291.

ClinVar aggregate classification (germline): Pathogenic (1 of 4 stars; one submission).

Conditions:
Aicardi-Goutieres syndrome 5. Identifiers: Orphanet 51, MedGen C2749659, MONDO:0013059, OMIM 612952.

Submission:

Labcorp Genetics (formerly Invitae), Labcorp
Classification: Pathogenic for Aicardi-Goutieres syndrome 5. Last evaluated: 2018-11-01. Review status: criteria provided, single submitter. Criteria: Invitae Variant Classification Sherloc (09022015). Collection method: clinical testing. Allele origin: germline.
Comment: For these reasons, this variant has been classified as Pathogenic. Loss-of-function variants in SAMHD1 are known to be pathogenic (PMID: 19525956, 22461318). This variant has not been reported in the literature in individuals with SAMHD1-related disease. This variant is not present in population databases (ExAC no frequency). This sequence change creates a premature translational stop signal (p.Glu166Leufs*5) in the SAMHD1 gene. It is expected to result in an absent or disrupted protein product.

Literature cited by the submitters: PubMed 19525956; PubMed 22461318.